The following is an entry in ClinVar:

ClinVar aggregate classification (germline): Uncertain significance (1 of 4 stars; one submission).

Conditions:
Hereditary cancer-predisposing syndrome. Also called: Neoplastic Syndromes, Hereditary; Tumor predisposition; Hereditary Cancer Syndrome; Hereditary neoplastic syndrome. Identifiers: Orphanet 140162, MedGen C0027672, MeSH D009386, MONDO:0015356.

Submission:

Ambry Genetics
Classification: Uncertain significance for Hereditary cancer-predisposing syndrome. Last evaluated: 2025-09-22. Review status: criteria provided, single submitter. Criteria: Ambry Variant Classification Scheme 2023. Collection method: clinical testing. Allele origin: germline.
Comment: The p.P430L variant (also known as c.1289C>T), located in coding exon 7 of the DICER1 gene, results from a C to T substitution at nucleotide position 1289. The proline at codon 430 is replaced by leucine, an amino acid with similar properties. This amino acid position is conserved. In addition, this alteration is predicted to be tolerated by in silico analysis. Based on the available evidence, the clinical significance of this variant remains unclear.

NM_177438.3(DICER1):c.1289C>T (p.Pro430Leu)

Gene: DICER1 (dicer 1, ribonuclease III; minus strand). Cytogenetic location: 14q32.13.
Variant type: single nucleotide variant.
Coding change: c.1289C>T on transcript NM_177438.3 (MANE Select); coding-DNA position 1289, C replaced by T.
Protein change: p.Pro430Leu; replaces proline 430 with leucine.
Molecular consequence: missense variant. On other transcripts: 5 prime UTR variant (1), non-coding transcript variant (6).
Genome position (GRCh38, 1-based): chr14:95,124,283, G>A on the plus strand (C>T on the coding strand, the complement: DICER1 is on the minus strand). VCF-style: chr14-95124283-G-A. GRCh37 (hg19) VCF-style: chr14-95590620-G-A.
Other names: c.1289C>T, p.Pro430Leu (NM_001195573.1, NM_001271282.3, NM_001291628.2 and 14 more transcripts); c.1007C>T, p.Pro336Leu (NM_001395686.1); c.884C>T, p.Pro295Leu (NM_001395687.1, NM_001395688.1, NM_001395689.1 and 3 more transcripts); c.722C>T, p.Pro241Leu (NM_001395691.1); c.-280C>T (NM_001395697.1); short protein forms P336L, P295L, P430L, P241L.
Identifiers: ClinVar variation 4636850 (VCV004636850.1).